The following is an entry in ClinVar:

ClinVar aggregate classification (germline): Uncertain significance (1 of 4 stars; one submission).

Conditions:
Spastic paraplegia. Identifiers: MedGen C0037772, HP:0001258.

Allele frequency attached by ClinVar (database versions not stated): gnomAD exomes below 0.00001 and 0.00001; ExAC 0.00001; gnomAD 0.00007; TOPMed 0.00007; ESP Exome Variant Server 0.00008.
gnomAD v4.1: 19 of 1,605,126 alleles (0.0012%); highest among the groups gnomAD compares: African/African-American, 0.023%; no homozygotes.

Submission:

Labcorp Genetics (formerly Invitae), Labcorp
Classification: Uncertain significance for Spastic paraplegia. Last evaluated: 2020-02-11. Review status: criteria provided, single submitter. Criteria: Invitae Variant Classification Sherloc (09022015). Collection method: clinical testing. Allele origin: germline.
Comment: This variant is present in population databases (rs377484298, ExAC 0.006%). This sequence change replaces valine with isoleucine at codon 284 of the SLC33A1 protein (p.Val284Ile). The valine residue is weakly conserved and there is a small physicochemical difference between valine and isoleucine. This variant has not been reported in the literature in individuals with SLC33A1-related disease. Algorithms developed to predict the effect of missense changes on protein structure and function (SIFT, PolyPhen-2, Align-GVGD) all suggest that this variant is likely to be tolerated, but these predictions have not been confirmed by published functional studies and their clinical significance is uncertain. In summary, the available evidence is currently insufficient to determine the role of this variant in disease. Therefore, it has been classified as a Variant of Uncertain Significance.

NM_004733.4(SLC33A1):c.850G>A (p.Val284Ile)

Gene: SLC33A1 (solute carrier family 33 member 1; minus strand). Cytogenetic location: 3q25.31.
Variant type: single nucleotide variant.
Coding change: c.850G>A on transcript NM_004733.4 (MANE Select); coding-DNA position 850, G replaced by A.
Protein change: p.Val284Ile; replaces valine 284 with isoleucine.
Molecular consequence: missense variant. On other transcripts: intron variant (1).
Genome position (GRCh38, 1-based): chr3:155,842,545, C>T on the plus strand (G>A on the coding strand, the complement: SLC33A1 is on the minus strand). VCF-style: chr3-155842545-C-T. GRCh37 (hg19) VCF-style: chr3-155560334-C-T.
Other names: c.776-8504G>A (NM_001363883.1); c.850G>A, p.Val284Ile (NM_001190992.2); short protein forms V284I.
Identifiers: ClinVar variation 1000914 (VCV001000914.8), dbSNP rs377484298, ClinGen allele CA2677358.